The following is an entry in ClinVar:

NM_030928.4(CDT1):c.1034C>T (p.Pro345Leu)

Gene: CDT1 (chromatin licensing and DNA replication factor 1; plus strand). Cytogenetic location: 16q24.3.
Variant type: single nucleotide variant.
Coding change: c.1034C>T on transcript NM_030928.4 (MANE Select); coding-DNA position 1034, C replaced by T.
Protein change: p.Pro345Leu; replaces proline 345 with leucine.
Molecular consequence: missense variant.
Genome position (GRCh38, 1-based): chr16:88,806,586, C>T. VCF-style: chr16-88806586-C-T. GRCh37 (hg19) VCF-style: chr16-88872994-C-T.
Other names: c.1034C>T (NM_030928.3); short protein forms P345L.
Identifiers: ClinVar variation 2176407 (VCV002176407.3), dbSNP rs141611072, ClinGen allele CA8233959.
Genomic context (GRCh38, chr16:88,806,586, plus strand): 5'-AGGACCAGCTGACCCGCTGGCACCCGCGCTTCAACGTGGATGAAGTACCCGACATCGAGC[C>T]GGCCGCGCTGCCCCAGCCACCCGCCACGGAGAAGCTCACCACTGCTCAGGAGGTGCTGGC-3'
Protein context (NP_112190.2, residues 335-355): FNVDEVPDIE[Pro345Leu]AALPQPPATE

ClinVar aggregate classification (germline): Uncertain significance. Review status: criteria provided, multiple submitters, no conflicts (2 of 4 stars). 2 submissions from 2 submitters: Uncertain significance (2). Last evaluated 2025-08-05.

Allele frequency attached by ClinVar (database versions not stated): TOPMed 0.00001; gnomAD 0.00002; ESP Exome Variant Server 0.00008; ExAC 0.00012.
gnomAD v4.1: 36 of 1,608,106 alleles (0.0022%); highest among the groups gnomAD compares: Non-Finnish European, 0.0027%; no homozygotes.

Submissions (2):

GeneDx
Classification: Uncertain significance. Last evaluated: 2025-08-05. Review status: criteria provided, single submitter. Criteria: GeneDx Variant Classification Process June 2021. Collection method: clinical testing. Allele origin: germline. Affected: yes.
Comment: In silico analysis supports that this missense variant has a deleterious effect on protein structure/function; Has not been previously published as pathogenic or benign to our knowledge

Labcorp Genetics (formerly Invitae), Labcorp
Classification: Uncertain significance. Last evaluated: 2023-09-20. Review status: criteria provided, single submitter. Criteria: Invitae Variant Classification Sherloc (09022015). Collection method: clinical testing. Allele origin: germline.
Comment: This sequence change replaces proline, which is neutral and non-polar, with leucine, which is neutral and non-polar, at codon 345 of the CDT1 protein (p.Pro345Leu). This variant is present in population databases (rs141611072, gnomAD 0.01%). This missense change has been observed in individual(s) with CDT1-related condition (Invitae). In at least one individual the data is consistent with being in trans (on the opposite chromosome) from a pathogenic variant. ClinVar contains an entry for this variant (Variation ID: 2176407). An algorithm developed to predict the effect of missense changes on protein structure and function (PolyPhen-2) suggests that this variant¬†is likely to be tolerated. In summary, the available evidence is currently insufficient to determine the role of this variant in disease. Therefore, it has been classified as a Variant of Uncertain Significance.